The following is an entry in ClinVar:

ClinVar aggregate classification (germline): Pathogenic (0 of 4 stars; one submission).

Conditions:
Autosomal recessive nonsyndromic hearing loss 77. Identifiers: Orphanet 90636, MedGen C2746083, MONDO:0013119, OMIM 613079.

Submission:

Laboratory of Prof. Karen Avraham, Tel Aviv University
Classification: Pathogenic for Autosomal recessive nonsyndromic hearing loss 77. Last evaluated: 2016-02-16. Review status: no assertion criteria provided. Collection method: research. Allele origin: germline. Affected: yes.
Comment: Congenital, profound HL

NSHL; recessive, DFNB77

Literature cited by the submitters: PubMed 21465660.

NM_144612.6(LOXHD1):c.[4480C>T];[4714C>T]

Variant type: CompoundHeterozygote.
Identifiers: ClinVar variation 424808 (VCV000424808.2).